The following is an entry in ClinVar:

ClinVar aggregate classification (germline): Likely benign (1 of 4 stars; one submission).

gnomAD v4.1: 104 of 1,613,812 alleles (0.0064%); highest among the groups gnomAD compares: Non-Finnish European, 0.0086%; no homozygotes.

Submission:

CeGaT Center for Human Genetics Tuebingen
Classification: Likely benign. Last evaluated: 2026-04-01. Review status: criteria provided, single submitter. Criteria: CeGaT Center For Human Genetics Tuebingen Variant Classification Criteria Version 2. Collection method: clinical testing. Allele origin: germline. Affected: yes. Observed: 1 variant allele.
Comment: BLTP1: BP4, BP7

NM_001384125.1(BLTP1):c.7854A>G (p.Ser2618=)

Gene: BLTP1 (bridge-like lipid transfer protein family member 1; plus strand). Cytogenetic location: 4q27.
Variant type: single nucleotide variant.
Coding change: c.7854A>G on transcript NM_001384125.1 (MANE Select); coding-DNA position 7854, A replaced by G.
Protein change: p.Ser2618=; no amino-acid change (serine 2618 retained).
Molecular consequence: synonymous variant.
Genome position (GRCh38, 1-based): chr4:122,271,378, A>G. VCF-style: chr4-122271378-A-G. GRCh37 (hg19) VCF-style: chr4-123192533-A-G.
Other names: c.7854A>G, p.Ser2618= (NM_015312.4).
Identifiers: ClinVar variation 4874470 (VCV004874470.2).